The following is an entry in ClinVar:

ClinVar aggregate classification (germline): Uncertain significance. Review status: criteria provided, multiple submitters, no conflicts (2 of 4 stars). 2 submissions from 2 submitters: Uncertain significance (2). Last evaluated 2023-03-26.

Conditions:
Ehlers-Danlos syndrome, kyphoscoliotic type 1 (EDSKSCL1). Also called: Ehlers-Danlos syndrome, hydroxylysine-deficient; EHLERS-DANLOS SYNDROME, TYPE VIA; EHLERS-DANLOS SYNDROME, OCULAR-SCOLIOTIC TYPE; PLOD1-Related Kyphoscoliotic Ehlers-Danlos Syndrome. Identifiers: Orphanet 1900, MedGen C0268342, MONDO:0016002, OMIM 225400. Disease mechanism: loss of function.
Familial thoracic aortic aneurysm and aortic dissection (TAAD). Also called: Thoracic aortic aneurysms and dissections. Identifiers: Orphanet 91387, MedGen C4707243, MONDO:0019625.

Allele frequency attached by ClinVar (database versions not stated): gnomAD 0.00001; TOPMed 0.00002; gnomAD exomes 0.00003.
gnomAD v4.1: 41 of 1,609,874 alleles (0.0025%); highest among the groups gnomAD compares: Non-Finnish European, 0.0032%; no homozygotes.

Submissions (2):

Ambry Genetics
Classification: Uncertain significance for Familial thoracic aortic aneurysm and aortic dissection. Last evaluated: 2023-03-26. Review status: criteria provided, single submitter. Criteria: Ambry Variant Classification Scheme 2023. Collection method: clinical testing. Allele origin: germline.
Comment: The p.L28I variant (also known as c.82C>A), located in coding exon 2 of the PLOD1 gene, results from a C to A substitution at nucleotide position 82. The leucine at codon 28 is replaced by isoleucine, an amino acid with highly similar properties. This amino acid position is conserved. In addition, this alteration is predicted to be tolerated by in silico analysis. Since supporting evidence is limited at this time, the clinical significance of this alteration remains unclear.

Labcorp Genetics (formerly Invitae), Labcorp
Classification: Uncertain significance for Ehlers-Danlos syndrome, kyphoscoliotic type 1. Last evaluated: 2022-07-05. Review status: criteria provided, single submitter. Criteria: Invitae Variant Classification Sherloc (09022015). Collection method: clinical testing. Allele origin: germline.
Comment: This sequence change replaces leucine, which is neutral and non-polar, with isoleucine, which is neutral and non-polar, at codon 28 of the PLOD1 protein (p.Leu28Ile). This variant is present in population databases (rs776894307, gnomAD 0.007%). This variant has not been reported in the literature in individuals affected with PLOD1-related conditions. ClinVar contains an entry for this variant (Variation ID: 966563). Algorithms developed to predict the effect of missense changes on protein structure and function are either unavailable or do not agree on the potential impact of this missense change (SIFT: "Tolerated"; PolyPhen-2: "Probably Damaging"; Align-GVGD: "Class C0"). In summary, the available evidence is currently insufficient to determine the role of this variant in disease. Therefore, it has been classified as a Variant of Uncertain Significance.

NM_000302.4(PLOD1):c.82C>A (p.Leu28Ile)

Gene: PLOD1 (procollagen-lysine,2-oxoglutarate 5-dioxygenase 1; plus strand). Cytogenetic location: 1p36.22.
Variant type: single nucleotide variant.
Coding change: c.82C>A on transcript NM_000302.4 (MANE Select); coding-DNA position 82, C replaced by A.
Protein change: p.Leu28Ile; replaces leucine 28 with isoleucine.
Molecular consequence: missense variant.
Genome position (GRCh38, 1-based): chr1:11,947,981, C>A. VCF-style: chr1-11947981-C-A. GRCh37 (hg19) VCF-style: chr1-12008038-C-A.
Other names: c.223C>A, p.Leu75Ile (NM_001316320.2); short protein forms L75I, L28I.
Identifiers: ClinVar variation 966563 (VCV000966563.8), dbSNP rs776894307, ClinGen allele CA17997282.